The following is an entry in ClinVar:

NM_031924.8(RSPH3):c.1237G>A (p.Gly413Arg)

Gene: RSPH3 (radial spoke head 3; minus strand). Cytogenetic location: 6q25.3.
Variant type: single nucleotide variant.
Coding change: c.1237G>A on transcript NM_031924.8 (MANE Select); coding-DNA position 1237, G replaced by A.
Protein change: p.Gly413Arg; replaces glycine 413 with arginine.
Molecular consequence: missense variant. On other transcripts: non-coding transcript variant (1).
Genome position (GRCh38, 1-based): chr6:158,977,558, C>T on the plus strand (G>A on the coding strand, the complement: RSPH3 is on the minus strand). VCF-style: chr6-158977558-C-T. GRCh37 (hg19) VCF-style: chr6-159398590-C-T.
Other names: c.1375G>A, p.Gly459Arg (NM_001346418.1); short protein forms G459R, G413R.
Identifiers: ClinVar variation 862245 (VCV000862245.9), dbSNP rs770058050, ClinGen allele CA4075693.
Genomic context (GRCh38, chr6:158,977,558, plus strand): 5'-CTTGGCTGTTGATTGGTTTCATGACTTTGAAGCTTCCCTCCTATGACAATTCTTCCTCCC[C>T]TAAGGACTTCCTCATTGCTGTTTCTTCATCTTGCCCTAAGAGTTCTCTCTCTTCCATAAA-3'
Protein context (NP_114130.4, residues 403-418): DEETAMRKSL[Gly413Arg]EEELS

ClinVar aggregate classification (germline): Uncertain significance (1 of 4 stars; one submission).

Conditions:
Primary ciliary dyskinesia 32. Also called: CILIARY DYSKINESIA, PRIMARY, 32, WITHOUT SITUS INVERSUS. Identifiers: Orphanet 244, MedGen C4225311, MONDO:0014657, OMIM 616481.

Allele frequency attached by ClinVar (database versions not stated): gnomAD exomes below 0.00001; ExAC 0.00001.
gnomAD v4.1: 3 of 1,611,912 alleles (0.00019%); highest among the groups gnomAD compares: Non-Finnish European, 0.00025%; no homozygotes.

Submission:

Labcorp Genetics (formerly Invitae), Labcorp
Classification: Uncertain significance for Primary ciliary dyskinesia 32. Last evaluated: 2022-09-07. Review status: criteria provided, single submitter. Criteria: Invitae Variant Classification Sherloc (09022015). Collection method: clinical testing. Allele origin: germline.
Comment: This sequence change replaces glycine, which is neutral and non-polar, with arginine, which is basic and polar, at codon 555 of the RSPH3 protein (p.Gly555Arg). In summary, the available evidence is currently insufficient to determine the role of this variant in disease. Therefore, it has been classified as a Variant of Uncertain Significance. Algorithms developed to predict the effect of missense changes on protein structure and function are either unavailable or do not agree on the potential impact of this missense change (SIFT: "Deleterious"; PolyPhen-2: "Benign"; Align-GVGD: "Class C0"). ClinVar contains an entry for this variant (Variation ID: 862245). This variant has not been reported in the literature in individuals affected with RSPH3-related conditions. This variant is present in population databases (rs770058050, gnomAD 0.0009%).